The following is an entry in ClinVar:

ClinVar aggregate classification (germline): Likely pathogenic. Review status: reviewed by expert panel (3 of 4 stars). 6 submissions from 6 submitters: Likely pathogenic (1). 5 of the submissions do not count toward it. Last evaluated 2024-12-06.

Conditions:
Mucopolysaccharidosis type 1. Also called: Mucopolysaccharidosis Type I; IDUA deficiency; MPS I. Identifiers: Orphanet 579, MedGen C0023786, MONDO:0001586.
IDUA-related disorders.

Allele frequency attached by ClinVar (database versions not stated): TOPMed 0.00001; ExAC 0.00003; gnomAD 0.00003 and 0.00004; gnomAD exomes 0.00004.
gnomAD v4.1: 54 of 1,613,092 alleles (0.0033%); highest among the groups gnomAD compares: Non-Finnish European, 0.0026%; no homozygotes.

Submissions (6):

ClinGen Lysosomal Storage Disorder Variant Curation Expert Panel
Classification: Likely pathogenic for Mucopolysaccharidosis type 1. Last evaluated: 2024-12-06. Review status: reviewed by expert panel. Criteria: ClinGen LSD ACMG Specifications IDUA V1.0.0. Collection method: curation. Allele origin: germline. Inheritance: Autosomal recessive inheritance.
Comment: The NM_000203.5:c.536C>T variant in IDUA is predicted to result in a missense substitution, p.Thr179Met. One patient is compound heterozyous for the variant and another variant in IDUA that has been classified as pathogenic by the ClinGen Lysosomal Diseases VCEP, c.1205G>A or (p.Trp402Ter); the variants were identified by trio exome sequencing are are confirmed to be in trans (PMID: 32670797) (PM3). This patient has documented values showing deficient IDUA activity in two independent samples, elevated urine GAGs with high levels of heparan and dermatan sulfate which reduced to only a trace after 12 months of enzyme replacement therapy, and clinical symptoms consistent with the condition (PMID: 32670797) (PP4_Moderate). The highest population minor allele frequency (MAF) in gnomAD v2.1.1 is 0.0002 (5/25114 alleles) in the Finnish population, which is lower than the ClinGen Lysosomal Diseases VCEP’s threshold for PM2_Supporting (<0.00025), meeting this criterion. The next highest population MAF is 0.00003 (4/128740 alleles) in the European non-Finnish population (PM2_Supporting). Other missense variants at the same position have been reported in individuals with MPS1, including c.536C>G (p.Thr179Arg) (PMID: 21480867), and p.Thr179Lys (PMID: 28752568). The classification of c.536C>T (p.Thr179Met) will be used in the assessment of the other variants at Thr179 and is not included here to avoid circular logic. There is a ClinVar entry for this variant (ClinVar ID: 1455223). In summary, this variant meets the criteria to be classified as likely pathogenic. IDUA-specific ACMG/AMP criteria applied, as specified by the ClinGen Lysosomal Diseases Variant Curation Expert Panel (Specifications Version 1.0.0): PM3, PP3_Moderate, PP4_Moderate, PM2_Supporting (Classification approved by the ClinGen Lysosomal Diseases Variant Curation Expert Panel on December 6, 2024)

Labcorp Genetics (formerly Invitae), Labcorp
Classification: Pathogenic for Mucopolysaccharidosis type 1. Last evaluated: 2025-03-17. Review status: criteria provided, single submitter. Criteria: Invitae Variant Classification Sherloc (09022015). Collection method: clinical testing. Allele origin: germline. Not counted in ClinVar's aggregate classification.
Comment: This sequence change replaces threonine, which is neutral and polar, with methionine, which is neutral and non-polar, at codon 179 of the IDUA protein (p.Thr179Met). This variant is present in population databases (rs776098539, gnomAD 0.02%). This missense change has been observed in individual(s) with mucopolysaccharidosis type I (PMID: 32670797). In at least one individual the data is consistent with being in trans (on the opposite chromosome) from a pathogenic variant. ClinVar contains an entry for this variant (Variation ID: 1455223). Invitae Evidence Modeling of protein sequence and biophysical properties (such as structural, functional, and spatial information, amino acid conservation, physicochemical variation, residue mobility, and thermodynamic stability) indicates that this missense variant is expected to disrupt IDUA protein function with a positive predictive value of 95%. This variant disrupts the p.Thr179 amino acid residue in IDUA. Other variant(s) that disrupt this residue have been determined to be pathogenic (PMID: 21480867, 28752568). This suggests that this residue is clinically significant, and that variants that disrupt this residue are likely to be disease-causing. For these reasons, this variant has been classified as Pathogenic.

Natera, Inc.
Classification: Likely pathogenic for Mucopolysaccharidosis type I. Last evaluated: 2024-12-18. Review status: criteria provided, single submitter. Criteria: Natera Variant Classification Schema (03/2026). Collection method: clinical testing. Allele origin: germline. Not counted in ClinVar's aggregate classification.
Comment: The c.536C>T variant in IDUA is a missense variant predicted to cause substitution of threonine to methionine at amino acid 179. This variant is rare in the general population with a frequency below the threshold expected for the associated phenotype(s). This variant has been observed in one or more individuals affected with the associated recessive disease, as either homozygous or compound heterozygous with a second variant (PMID: 32670797, 37516270). A different variant at the same position has been determined to be Pathogenic or Likely Pathogenic. Computational prediction algorithms indicate this variant is likely to affect gene or protein function. Given the available evidence, this variant is classified as Likely Pathogenic.

Blueprint Genetics
Classification: Likely pathogenic for IDUA-related disorders. Last evaluated: 2024-08-12. Review status: criteria provided, single submitter. Criteria: ACMG Guidelines, 2015. Collection method: clinical testing. Allele origin: germline. Affected: yes. Observed: 3 variant alleles. Not counted in ClinVar's aggregate classification.

Revvity Omics, Revvity
Classification: Likely pathogenic. Last evaluated: 2023-06-28. Review status: criteria provided, single submitter. Criteria: ACMG Guidelines, 2015. Collection method: clinical testing. Allele origin: germline. Not counted in ClinVar's aggregate classification.

GeneDx
Classification: Likely pathogenic. Last evaluated: 2023-06-12. Review status: criteria provided, single submitter. Criteria: GeneDx Variant Classification Process June 2021. Collection method: clinical testing. Allele origin: germline. Affected: yes. Not counted in ClinVar's aggregate classification.
Comment: In silico analysis supports that this missense variant has a deleterious effect on protein structure/function; This variant is associated with the following publications: (PMID: 32670797, 21480867)

Literature cited by the submitters: PubMed 32670797 (cited by Labcorp Genetics (formerly Invitae), Labcorp and Natera, Inc.); PubMed 21480867 (cited by Labcorp Genetics (formerly Invitae), Labcorp); PubMed 28752568 (cited by Labcorp Genetics (formerly Invitae), Labcorp); PubMed 37516270 (cited by Natera, Inc.).

NM_000203.5(IDUA):c.536C>T (p.Thr179Met)

Gene: IDUA (alpha-L-iduronidase; plus strand). Cytogenetic location: 4p16.3.
Variant type: single nucleotide variant.
Coding change: c.536C>T on transcript NM_000203.5 (MANE Select); coding-DNA position 536, C replaced by T.
Protein change: p.Thr179Met; replaces threonine 179 with methionine.
Molecular consequence: missense variant. On other transcripts: non-coding transcript variant (1).
Genome position (GRCh38, 1-based): chr4:1,001,510, C>T. VCF-style: chr4-1001510-C-T. GRCh37 (hg19) VCF-style: chr4-995298-C-T.
Other names: NM_000203.5(IDUA):c.536C>T; p.Thr179Met; c.536C>T (NM_000203.4, NM_000203.3); c.140C>T, p.Thr47Met (NM_001363576.1); short protein forms T47M, T179M.
Identifiers: ClinVar variation 1455223 (VCV001455223.12), dbSNP rs776098539, ClinGen allele CA2801986.
Genomic context (GRCh38, chr4:1,001,510, plus strand): 5'-AGCAAGGCTCCTCTGCAGGTAGGTACGGACTGGCGCATGTTTCCAAGTGGAACTTCGAGA[C>T]GTGGAATGAGCCAGACCACCACGACTTTGACAACGTCTCCATGACCATGCAAGGTGTGCA-3'
Protein context (NP_000194.2, residues 169-189): LAHVSKWNFE[Thr179Met]WNEPDHHDFD